The following is an entry in ClinVar:

NM_003477.2(PDHX):c.-124G>C

Gene: PDHX (pyruvate dehydrogenase complex component X; plus strand). Cytogenetic location: 11p13.
Variant type: single nucleotide variant.
Coding change: c.-124G>C on transcript NM_003477.2; 124 bases upstream of the start codon, G replaced by C.
Molecular consequence: intron variant (on NM_001135024.2).
Genome position (GRCh38, 1-based): chr11:34,916,532, G>C. VCF-style: chr11-34916532-G-C. GRCh37 (hg19) VCF-style: chr11-34938079-G-C.
Other names: c.-21+46G>C (NM_001135024.2).
Identifiers: ClinVar variation 304458 (VCV000304458.9), dbSNP rs375130125, ClinGen allele CA5945688.
Genomic context (GRCh38, chr11:34,916,532, plus strand): 5'-CTGACTTCCCGGGAGGCAAGGCCAACGTGGTTGGAGGCGGGGCTGGGTTGGGGGGCGGGG[G>C]TTCAAGTCTGAGAGACCTAAAGGCACCGCTAGCGTCTGGGGGCGTGGCCAACCATGCGGG-3'

ClinVar aggregate classification (germline): Benign. Review status: criteria provided, multiple submitters, no conflicts (2 of 4 stars). 3 submissions from 3 submitters: Benign (3). Last evaluated 2018-06-14.

Conditions:
Pyruvate dehydrogenase E3-binding protein deficiency (PDHXD). Also called: E3-Binding Protein (Component X) Deficiency; LACTIC ACIDEMIA DUE TO DEFECT IN LIPOYL-CONTAINING COMPONENT X OF THE PYRUVATE DEHYDROGENASE COMPLEX; Lacticacidemia due to PDX1 deficiency; PYRUVATE HYDROGENASE E3-BINDING PROTEIN DEFICIENCY. Identifiers: Orphanet 255182, MedGen C1855553, MONDO:0009503, OMIM 245349.

Allele frequency attached by ClinVar (database versions not stated): TOPMed 0.19929; gnomAD exomes 0.11406; gnomAD 0.18392; 1000 Genomes Project 0.19249; ExAC 0.17610.
gnomAD v4.1: 183,177 of 1,472,038 alleles (12%); highest among the groups gnomAD compares: African/African-American, 39%; 14,520 homozygotes.

Submissions (3):

GeneDx
Classification: Benign. Last evaluated: 2018-06-14. Review status: criteria provided, single submitter. Criteria: GeneDx Variant Classification (06012015). Collection method: clinical testing. Allele origin: germline. Affected: yes.
Comment: This variant is considered likely benign or benign based on one or more of the following criteria: it is a conservative change, it occurs at a poorly conserved position in the protein, it is predicted to be benign by multiple in silico algorithms, and/or has population frequency not consistent with disease.

Illumina Laboratory Services, Illumina
Classification: Benign for Pyruvate dehydrogenase E3-binding protein deficiency. Last evaluated: 2018-01-13. Review status: criteria provided, single submitter. Criteria: ICSL Variant Classification Criteria 13 December 2019. Collection method: clinical testing. Allele origin: germline.
Comment: This variant was observed in the ICSL laboratory as part of a predisposition screen in an ostensibly healthy population. It had not been previously curated by ICSL or reported in the Human Gene Mutation Database (HGMD: prior to June 1st, 2018), and was therefore a candidate for classification through an automated scoring system. Utilizing variant allele frequency, disease prevalence and penetrance estimates, and inheritance mode, an automated score was calculated to assess if this variant is too frequent to cause the disease. Based on the score and internal cut-off values, a variant classified as benign is not then subjected to further curation. The score for this variant resulted in a classification of benign for this disease.

Breakthrough Genomics
Classification: Benign. Review status: criteria provided, single submitter. Criteria: ACMG Guidelines, 2015. Collection method: not provided. Allele origin: germline. Inheritance: Autosomal recessive inheritance. Affected: yes.